The following is an entry in ClinVar:

NM_005430.4(WNT1):c.571G>A (p.Gly191Arg)

Gene: WNT1 (Wnt family member 1; plus strand). Cytogenetic location: 12q13.12.
Variant type: single nucleotide variant.
Coding change: c.571G>A on transcript NM_005430.4 (MANE Select); coding-DNA position 571, G replaced by A.
Protein change: p.Gly191Arg; replaces glycine 191 with arginine.
Molecular consequence: missense variant.
Genome position (GRCh38, 1-based): chr12:48,980,636, G>A. VCF-style: chr12-48980636-G-A. GRCh37 (hg19) VCF-style: chr12-49374419-G-A.
Other names: short protein forms G191R.
Identifiers: ClinVar variation 2751272 (VCV002751272.3), dbSNP rs745852237, ClinGen allele CA236608585.
Genomic context (GRCh38, chr12:48,980,636, plus strand): 5'-AGCGACAACATTGACTTCGGCCGCCTCTTCGGCCGGGAGTTCGTGGACTCCGGGGAGAAG[G>A]GGCGGGACCTGCGCTTCCTCATGAACCTTCACAACAACGAGGCAGGCCGTACGGTGAGCT-3'
Protein context (NP_005421.1, residues 181-201): GREFVDSGEK[Gly191Arg]RDLRFLMNLH

ClinVar aggregate classification (germline): Uncertain significance (1 of 4 stars; one submission).

Submission:

Labcorp Genetics (formerly Invitae), Labcorp
Classification: Uncertain significance. Last evaluated: 2023-08-08. Review status: criteria provided, single submitter. Criteria: Invitae Variant Classification Sherloc (09022015). Collection method: clinical testing. Allele origin: germline.
Comment: Advanced modeling of protein sequence and biophysical properties (such as structural, functional, and spatial information, amino acid conservation, physicochemical variation, residue mobility, and thermodynamic stability) performed at Invitae indicates that this missense variant is not expected to disrupt WNT1 protein function. In summary, the available evidence is currently insufficient to determine the role of this variant in disease. Therefore, it has been classified as a Variant of Uncertain Significance. This variant has not been reported in the literature in individuals affected with WNT1-related conditions. This variant is not present in population databases (gnomAD no frequency). This sequence change replaces glycine, which is neutral and non-polar, with arginine, which is basic and polar, at codon 191 of the WNT1 protein (p.Gly191Arg).